The following is an entry in ClinVar:

ClinVar aggregate classification (germline): Likely benign (1 of 4 stars; one submission).

Allele frequency attached by ClinVar (database versions not stated): TOPMed 0.00102; 1000 Genomes Project 30x 0.00109; gnomAD 0.00113; 1000 Genomes Project 0.00120; ESP Exome Variant Server 0.00131; gnomAD exomes 0.00180; ExAC 0.00434.
gnomAD v4.1: 2,841 of 1,588,622 alleles (0.18%); highest among the groups gnomAD compares: Middle Eastern, 0.65%; 10 homozygotes.

Submission:

CeGaT Center for Human Genetics Tuebingen
Classification: Likely benign. Last evaluated: 2022-09-01. Review status: criteria provided, single submitter. Criteria: CeGaT Center For Human Genetics Tuebingen Variant Classification Criteria Version 2. Collection method: clinical testing. Allele origin: germline. Affected: yes. Observed: 1 variant allele.
Comment: SETMAR: BP4, BP7

NM_006515.4(SETMAR):c.1227A>G (p.Pro409=)

Genes: SETMAR (SET and mariner transposase domain methyltransferase; plus strand), SUMF1 (sulfatase modifying factor 1; minus strand). Cytogenetic location: 3p26.1.
Variant type: single nucleotide variant.
Coding change: c.1227A>G on transcript NM_006515.4 (MANE Select); coding-DNA position 1227, A replaced by G.
Protein change: p.Pro409=; no amino-acid change (proline 409 retained).
Molecular consequence: synonymous variant.
Genome position (GRCh38, 1-based): chr3:4,316,418, A>G. VCF-style: chr3-4316418-A-G. GRCh37 (hg19) VCF-style: chr3-4358102-A-G.
Other names: c.810A>G, p.Pro270= (NM_001243723.2); c.393A>G, p.Pro131= (NM_001320676.2); c.459A>G, p.Pro153= (NM_001320677.2); c.363A>G, p.Pro121= (NM_001320678.2).
Identifiers: ClinVar variation 2653450 (VCV002653450.24), dbSNP rs147184330, ClinGen allele CA2230219.